The following is an entry in ClinVar:

NM_007294.4(BRCA1):c.4608G>T (p.Glu1536Asp)

Gene: BRCA1 (BRCA1 DNA repair associated; minus strand). Cytogenetic location: 17q21.31.
Variant type: single nucleotide variant.
Coding change: c.4608G>T on transcript NM_007294.4 (MANE Select); coding-DNA position 4608, G replaced by T.
Protein change: p.Glu1536Asp; replaces glutamic acid 1536 with aspartic acid.
Molecular consequence: missense variant. On other transcripts: non-coding transcript variant (1).
Genome position (GRCh38, 1-based): chr17:43,074,398, C>A on the plus strand (G>T on the coding strand, the complement: BRCA1 is on the minus strand). VCF-style: chr17-43074398-C-A. GRCh37 (hg19) VCF-style: chr17-41226415-C-A.
Other names: c.4395G>T, p.Glu1465Asp (NM_001407902.1, NM_001407904.1, NM_001407906.1 and 12 more transcripts); c.4344G>T, p.Glu1448Asp (NM_001407921.1, NM_001407922.1, NM_001407923.1 and 4 more transcripts); c.4341G>T, p.Glu1447Asp (NM_001407927.1, NM_001407928.1, NM_001407929.1 and 4 more transcripts); c.4482G>T, p.Glu1494Asp (NM_001407940.1, NM_001407670.1, NM_001407671.1 and 11 more transcripts); c.4479G>T, p.Glu1493Asp (NM_001407941.1, NM_001407685.1, NM_001407686.1 and 6 more transcripts); c.4467G>T, p.Glu1489Asp (NM_001407942.1, NM_007297.4, NM_001407692.1 and 13 more transcripts); c.4464G>T, p.Glu1488Asp (NM_001407943.1, NM_001407944.1, NM_001407945.1 and 21 more transcripts); c.4275G>T, p.Glu1425Asp (NM_001407946.1, NM_001407947.1, NM_001407948.1 and 1 more transcripts); and 68 more; short protein forms E1489D, E1536D, E1557D, E432D, E1239D, E1425D, E1446D, E1464D.
Identifiers: ClinVar variation 1022166 (VCV001022166.11), dbSNP rs2052599261, ClinGen allele CA10592296.
Genomic context (GRCh38, chr17:43,074,398, plus strand): 5'-TTGCCTTGGCAAGTAAGATGTTTCCGTCAAATCGTGTGGCCCAGACTCTTCCAGCTGTTG[C>A]TCCTCCACATCAACAACCTTAATGAGCTCCTCTTGAGATGGGTAGTTTCTATTCTGAAGA-3'
Protein context (NP_009225.1, residues 1526-1546): EELIKVVDVE[Glu1536Asp]QQLEESGPHD

ClinVar aggregate classification (germline): Uncertain significance. Review status: criteria provided, multiple submitters, no conflicts (2 of 4 stars). 2 submissions from 2 submitters: Uncertain significance (2). Last evaluated 2024-02-19.

Conditions:
Breast-ovarian cancer, familial, susceptibility to, 1 (BROVCA1). Also called: BRCA1 Hereditary Breast and Ovarian Cancer; OVARIAN CANCER, SUSCEPTIBILITY TO. Identifiers: Orphanet 145, MedGen C2676676, MONDO:0011450, OMIM 604370. Disease mechanism: loss of function.
Hereditary breast ovarian cancer syndrome. Also called: Hereditary breast and ovarian cancer syndrome; Hereditary breast and ovarian cancer syndrome (HBOC); Breast and ovarian cancer; Hereditary breast and ovarian cancer; Hereditary breast and/or ovarian cancer syndrome; BRCA1- and BRCA2-Associated Hereditary Breast and Ovarian Cancer. Identifiers: Orphanet 145, MedGen C0677776, MeSH D061325, MONDO:0003582. Disease mechanism: loss of function.

Allele frequency attached by ClinVar (database versions not stated): TOPMed below 0.00001.

Submissions (2):

Baylor Genetics
Classification: Uncertain significance for Breast-ovarian cancer, familial, susceptibility to, 1. Last evaluated: 2024-02-19. Review status: criteria provided, single submitter. Criteria: ACMG Guidelines, 2015. Collection method: clinical testing. Allele origin: unknown.

Labcorp Genetics (formerly Invitae), Labcorp
Classification: Uncertain significance for Hereditary breast ovarian cancer syndrome. Last evaluated: 2020-11-01. Review status: criteria provided, single submitter. Criteria: Invitae Variant Classification Sherloc (09022015). Collection method: clinical testing. Allele origin: germline.
Comment: In summary, the available evidence is currently insufficient to determine the role of this variant in disease. Therefore, it has been classified as a Variant of Uncertain Significance. Advanced modeling of protein sequence and biophysical properties (such as structural, functional, and spatial information, amino acid conservation, physicochemical variation, residue mobility, and thermodynamic stability) performed at Invitae indicates that this missense variant is not expected to disrupt BRCA1 protein function. This variant has not been reported in the literature in individuals with BRCA1-related conditions. This variant is not present in population databases (ExAC no frequency). This sequence change replaces glutamic acid with aspartic acid at codon 1536 of the BRCA1 protein (p.Glu1536Asp). The glutamic acid residue is weakly conserved and there is a small physicochemical difference between glutamic acid and aspartic acid.